The following is an entry in ClinVar:

NM_032737.4(LMNB2):c.341G>A (p.Arg114His)

Gene: LMNB2 (lamin B2; minus strand). Cytogenetic location: 19p13.3.
Variant type: single nucleotide variant.
Coding change: c.341G>A on transcript NM_032737.4 (MANE Select); coding-DNA position 341, G replaced by A.
Protein change: p.Arg114His; replaces arginine 114 with histidine.
Molecular consequence: missense variant.
Genome position (GRCh38, 1-based): chr19:2,444,464, C>T on the plus strand (G>A on the coding strand, the complement: LMNB2 is on the minus strand). VCF-style: chr19-2444464-C-T. GRCh37 (hg19) VCF-style: chr19-2444462-C-T.
Other names: c.281G>A (NM_032737.2); short protein forms R114H.
Identifiers: ClinVar variation 864151 (VCV000864151.9), dbSNP rs201499035, ClinGen allele CA9067934.

ClinVar aggregate classification (germline): Uncertain significance. Review status: criteria provided, multiple submitters, no conflicts (2 of 4 stars). 2 submissions from 2 submitters: Uncertain significance (2). Last evaluated 2025-12-08.

Conditions:
Lipodystrophy, partial, acquired, susceptibility to (APLD). Also called: APLD, SUSCEPTIBILITY TO. Identifiers: MedGen C3887501, MONDO:0100476, OMIM 608709.
Progressive myoclonic epilepsy type 9. Identifiers: Orphanet 457265, MedGen C4225289, MONDO:0014685, OMIM 616540.

Allele frequency attached by ClinVar (database versions not stated): gnomAD 0.00003 and 0.00004; gnomAD exomes 0.00003; ExAC 0.00004; TOPMed 0.00004; 1000 Genomes Project 30x 0.00016; 1000 Genomes Project 0.00020.
gnomAD v4.1: 41 of 1,613,664 alleles (0.0025%); highest among the groups gnomAD compares: African/African-American, 0.0067%; no homozygotes.

Submissions (2):

Ambry Genetics
Classification: Uncertain significance. Last evaluated: 2025-12-08. Review status: criteria provided, single submitter. Criteria: Ambry Variant Classification Scheme 2023. Collection method: clinical testing. Allele origin: germline.

Labcorp Genetics (formerly Invitae), Labcorp
Classification: Uncertain significance for Progressive myoclonic epilepsy type 9; Lipodystrophy, partial, acquired, susceptibility to. Last evaluated: 2023-12-21. Review status: criteria provided, single submitter. Criteria: Invitae Variant Classification Sherloc (09022015). Collection method: clinical testing. Allele origin: germline.
Comment: This sequence change replaces arginine, which is basic and polar, with histidine, which is basic and polar, at codon 114 of the LMNB2 protein (p.Arg114His). This variant is present in population databases (rs201499035, gnomAD 0.007%). This variant has not been reported in the literature in individuals affected with LMNB2-related conditions. ClinVar contains an entry for this variant (Variation ID: 864151). Advanced modeling of protein sequence and biophysical properties (such as structural, functional, and spatial information, amino acid conservation, physicochemical variation, residue mobility, and thermodynamic stability) performed at Invitae indicates that this missense variant is expected to disrupt LMNB2 protein function with a positive predictive value of 80%. In summary, the available evidence is currently insufficient to determine the role of this variant in disease. Therefore, it has been classified as a Variant of Uncertain Significance.